The following is an entry in ClinVar:

ClinVar aggregate classification (germline): Likely benign (1 of 4 stars; one submission).

Allele frequency attached by ClinVar (database versions not stated): 1000 Genomes Project 0.00040; TOPMed 0.00042; gnomAD 0.00050; ExAC 0.00058; 1000 Genomes Project 30x 0.00062; ESP Exome Variant Server 0.00077.
gnomAD v4.1: 1,272 of 1,610,398 alleles (0.079%); highest among the groups gnomAD compares: Non-Finnish European, 0.1%; no homozygotes.

Submission:

CeGaT Center for Human Genetics Tuebingen
Classification: Likely benign. Last evaluated: 2023-08-01. Review status: criteria provided, single submitter. Criteria: CeGaT Center For Human Genetics Tuebingen Variant Classification Criteria Version 2. Collection method: clinical testing. Allele origin: germline. Affected: yes. Observed: 1 variant allele.
Comment: PER1: BP4, BP7

NM_002616.3(PER1):c.2478C>T (p.Pro826=)

Gene: PER1 (period circadian regulator 1; minus strand). Cytogenetic location: 17p13.1.
Variant type: single nucleotide variant.
Coding change: c.2478C>T on transcript NM_002616.3 (MANE Select); coding-DNA position 2478, C replaced by T.
Protein change: p.Pro826=; no amino-acid change (proline 826 retained).
Molecular consequence: synonymous variant.
Genome position (GRCh38, 1-based): chr17:8,143,860, G>A on the plus strand (C>T on the coding strand, the complement: PER1 is on the minus strand). VCF-style: chr17-8143860-G-A. GRCh37 (hg19) VCF-style: chr17-8047178-G-A.
Identifiers: ClinVar variation 2647446 (VCV002647446.24), dbSNP rs148963629, ClinGen allele CA8369212.